The following is an entry in ClinVar:

ClinVar aggregate classification (germline): Uncertain significance (1 of 4 stars; one submission).

Allele frequency attached by ClinVar (database versions not stated): gnomAD 0.00001; ExAC 0.00002; TOPMed 0.00003; gnomAD exomes 0.00005.

Submission:

Labcorp Genetics (formerly Invitae), Labcorp
Classification: Uncertain significance. Last evaluated: 2024-10-24. Review status: criteria provided, single submitter. Criteria: Invitae Variant Classification Sherloc (09022015). Collection method: clinical testing. Allele origin: germline.
Comment: This sequence change affects codon 24 of the COQ7 mRNA. It is a 'silent' change, meaning that it does not change the encoded amino acid sequence of the COQ7 protein. It affects a nucleotide within the consensus splice site. This variant is present in population databases (rs200615178, gnomAD 0.003%). This variant has not been reported in the literature in individuals affected with COQ7-related conditions. ClinVar contains an entry for this variant (Variation ID: 1906391). Algorithms developed to predict the effect of sequence changes on RNA splicing suggest that this variant may disrupt the consensus splice site. In summary, the available evidence is currently insufficient to determine the role of this variant in disease. Therefore, it has been classified as a Variant of Uncertain Significance.

NM_016138.5(COQ7):c.72A>C (p.Ser24=)

Genes: COQ7 (coenzyme Q7, hydroxylase; plus strand), LOC130058587 (ATAC-STARR-seq lymphoblastoid silent region 7240; plus strand). Cytogenetic location: 16p12.3.
Variant type: single nucleotide variant.
Coding change: c.72A>C on transcript NM_016138.5 (MANE Select); coding-DNA position 72, A replaced by C.
Protein change: p.Ser24=; no amino-acid change (serine 24 retained).
Molecular consequence: synonymous variant. On other transcripts: 5 prime UTR variant (1), non-coding transcript variant (2).
Genome position (GRCh38, 1-based): chr16:19,067,736, A>C. VCF-style: chr16-19067736-A-C. GRCh37 (hg19) VCF-style: chr16-19079058-A-C.
Other names: c.72A>C, p.Ser24= (NM_001370490.1); c.-136A>C (NM_001370494.1).
Identifiers: ClinVar variation 1906391 (VCV001906391.3), dbSNP rs200615178, ClinGen allele CA7932852.